The following is an entry in ClinVar:

NM_016529.6(ATP8A2):c.1353-6T>C

Gene: ATP8A2 (ATPase phospholipid transporting 8A2). Cytogenetic location: 13q12.13.
Variant type: single nucleotide variant.
Coding change: c.1353-6T>C on transcript NM_016529.6 (MANE Select); 6 bases into the intron before coding-DNA position 1353, T replaced by C.
Molecular consequence: intron variant.
Genome position (GRCh38, 1-based): chr13:25,559,715, T>C. VCF-style: chr13-25559715-T-C. GRCh37 (hg19) VCF-style: chr13-26133853-T-C.
Other names: c.1233-6T>C (NM_001313741.1).
Identifiers: ClinVar variation 2421240 (VCV002421240.2), dbSNP rs747588579, ClinGen allele CA6922885.

ClinVar aggregate classification (germline): Uncertain significance (1 of 4 stars; one submission).

Allele frequency attached by ClinVar (database versions not stated): gnomAD 0.00001; TOPMed 0.00001; ExAC 0.00002; gnomAD exomes 0.00002.
gnomAD v4.1: 33 of 1,612,736 alleles (0.002%); highest among the groups gnomAD compares: Non-Finnish European, 0.0026%; no homozygotes.

Submission:

Labcorp Genetics (formerly Invitae), Labcorp
Classification: Uncertain significance. Last evaluated: 2022-02-20. Review status: criteria provided, single submitter. Criteria: Invitae Variant Classification Sherloc (09022015). Collection method: clinical testing. Allele origin: germline.
Comment: This sequence change falls in intron 14 of the ATP8A2 gene. It does not directly change the encoded amino acid sequence of the ATP8A2 protein. This variant is present in population databases (rs747588579, gnomAD 0.004%). This variant has not been reported in the literature in individuals affected with ATP8A2-related conditions. Algorithms developed to predict the effect of sequence changes on RNA splicing suggest that this variant may create or strengthen a splice site. In summary, the available evidence is currently insufficient to determine the role of this variant in disease. Therefore, it has been classified as a Variant of Uncertain Significance.